The following is an entry in ClinVar:

NM_001447.3(FAT2):c.9503T>C (p.Val3168Ala)

Genes: FAT2 (FAT atypical cadherin 2; minus strand), SLC36A1 (solute carrier family 36 member 1; plus strand). Cytogenetic location: 5q33.1.
Variant type: single nucleotide variant.
Coding change: c.9503T>C on transcript NM_001447.3 (MANE Select); coding-DNA position 9503, T replaced by C.
Protein change: p.Val3168Ala; replaces valine 3168 with alanine.
Molecular consequence: missense variant.
Genome position (GRCh38, 1-based): chr5:151,531,895, A>G on the plus strand (T>C on the coding strand, the complement: FAT2 is on the minus strand). VCF-style: chr5-151531895-A-G. GRCh37 (hg19) VCF-style: chr5-150911456-A-G.
Other names: short protein forms V3168A.
Identifiers: ClinVar variation 5039557 (VCV005039557.1).

ClinVar aggregate classification (germline): Uncertain significance (1 of 4 stars; one submission).

gnomAD v4.1: 90 of 1,614,076 alleles (0.0056%); highest among the groups gnomAD compares: Non-Finnish European, 0.0069%; no homozygotes.

Submission:

CeGaT Center for Human Genetics Tuebingen
Classification: Uncertain significance. Last evaluated: 2026-07-01. Review status: criteria provided, single submitter. Criteria: CeGaT Center For Human Genetics Tuebingen Variant Classification Criteria Version 2. Collection method: clinical testing. Allele origin: germline. Affected: yes. Observed: 1 variant allele.
Comment: FAT2: PP2, BP4